The following is an entry in ClinVar:

NM_031407.7(HUWE1):c.12499A>G (p.Thr4167Ala)

Gene: HUWE1 (HECT, UBA and WWE domain containing E3 ubiquitin protein ligase 1; minus strand). Cytogenetic location: Xp11.22.
Variant type: single nucleotide variant.
Coding change: c.12499A>G on transcript NM_031407.7 (MANE Select); coding-DNA position 12499, A replaced by G.
Protein change: p.Thr4167Ala; replaces threonine 4167 with alanine.
Molecular consequence: missense variant.
Genome position (GRCh38, 1-based): chrX:53,536,179, T>C on the plus strand (A>G on the coding strand, the complement: HUWE1 is on the minus strand). VCF-style: chrX-53536179-T-C. GRCh37 (hg19) VCF-style: chrX-53563140-T-C.
Other names: short protein forms T4167A.
Identifiers: ClinVar variation 1187079 (VCV001187079.2), dbSNP rs2146867886, ClinGen allele CA413149114.

ClinVar aggregate classification (germline): Uncertain significance (1 of 4 stars; one submission).

Allele frequency attached by ClinVar (database versions not stated): gnomAD exomes below 0.00001.
gnomAD v4.1: 1 of 1,203,348 alleles (0.000083%); highest among the groups gnomAD compares: Non-Finnish European, 0.00011%; no homozygotes.

Submission:

GeneDx
Classification: Uncertain significance. Last evaluated: 2019-10-16. Review status: criteria provided, single submitter. Criteria: GeneDx Variant Classification Process June 2021. Collection method: clinical testing. Allele origin: germline. Affected: yes.
Comment: Not observed in large population cohorts (Lek et al., 2016); In silico analysis, which includes protein predictors and evolutionary conservation, supports that this variant does not alter protein structure/function; Has not been previously published as pathogenic or benign to our knowledge